The following is an entry in ClinVar:

ClinVar aggregate classification (germline): Uncertain significance (0 of 4 stars; one submission).

Conditions:
NCOA1-related disorder. Also called: NCOA1-related condition.

Submission:

PreventionGenetics, part of Exact Sciences
Classification: Uncertain significance for NCOA1-related condition. Last evaluated: 2024-03-12. Review status: no assertion criteria provided. Collection method: clinical testing. Allele origin: germline.
Comment: The NCOA1 c.2495A>G variant is predicted to result in the amino acid substitution p.Glu832Gly. To our knowledge, this variant has not been reported in the literature or in a large population database, indicating this variant is rare. At this time, the clinical significance of this variant is uncertain due to the absence of conclusive functional and genetic evidence.

NM_003743.5(NCOA1):c.2495A>G (p.Glu832Gly)

Gene: NCOA1 (nuclear receptor coactivator 1; plus strand). Cytogenetic location: 2p23.3.
Variant type: single nucleotide variant.
Coding change: c.2495A>G on transcript NM_003743.5 (MANE Select); coding-DNA position 2495, A replaced by G.
Protein change: p.Glu832Gly; replaces glutamic acid 832 with glycine.
Molecular consequence: missense variant.
Genome position (GRCh38, 1-based): chr2:24,711,007, A>G. VCF-style: chr2-24711007-A-G. GRCh37 (hg19) VCF-style: chr2-24933876-A-G.
Other names: c.2495A>G, p.Glu832Gly (NM_001362950.1, NM_001362952.1, NM_001362954.1 and 3 more transcripts); short protein forms E832G.
Identifiers: ClinVar variation 3348992 (VCV003348992.1).
Genomic context (GRCh38, chr2:24,711,007, plus strand): 5'-ACCAGTTTGATCAGTTACTGCCCACGCTGGAGAAGGCAGCACAGTTGCCAGGCTTATGTG[A>G]GACAGACAGGATGGATGGTGCGGTCACCAGTGTAACCATCAAATCGGAGATCCTGCCAGC-3'
Protein context (NP_003734.3, residues 822-842): EKAAQLPGLC[Glu832Gly]TDRMDGAVTS